The following is an entry in ClinVar:

NM_005029.4(PITX3):c.682G>A (p.Ala228Thr)

Genes: GBF1 (golgi brefeldin A resistant guanine nucleotide exchange factor 1; plus strand), PITX3 (paired like homeodomain 3; minus strand), LOC130004591 (ATAC-STARR-seq lymphoblastoid silent region 2753; plus strand). Cytogenetic location: 10q24.32.
Variant type: single nucleotide variant.
Coding change: c.682G>A on transcript NM_005029.4 (MANE Select); coding-DNA position 682, G replaced by A.
Protein change: p.Ala228Thr; replaces alanine 228 with threonine.
Molecular consequence: missense variant. On other transcripts: 5 prime UTR variant (2).
Genome position (GRCh38, 1-based): chr10:102,230,741, C>T on the plus strand (G>A on the coding strand, the complement: PITX3 is on the minus strand). VCF-style: chr10-102230741-C-T. GRCh37 (hg19) VCF-style: chr10-103990498-C-T.
Other names: c.-186C>T (NM_001391923.1); c.-324C>T (NM_001391924.1); short protein forms A228T.
Identifiers: ClinVar variation 2412872 (VCV002412872.40), dbSNP rs2133794774, ClinGen allele CA378161060.

ClinVar aggregate classification (germline): Uncertain significance (1 of 4 stars; one submission).

Allele frequency attached by ClinVar (database versions not stated): gnomAD exomes below 0.00001; gnomAD 0.00001.

Submission:

GeneDx
Classification: Uncertain significance. Last evaluated: 2022-07-27. Review status: criteria provided, single submitter. Criteria: GeneDx Variant Classification Process June 2021. Collection method: clinical testing. Allele origin: germline. Affected: yes.
Comment: Not observed at significant frequency in large population cohorts (gnomAD); In silico analysis supports that this missense variant does not alter protein structure/function; Has not been previously published as pathogenic or benign to our knowledge